The following is an entry in ClinVar:

ClinVar aggregate classification (germline): Likely benign (1 of 4 stars; one submission).

Conditions:
BRCA2-related cancer predisposition. Identifiers: MedGen CN377758, MONDO:0700269.

Submission:

All of Us Research Program, National Institutes of Health
Classification: Likely benign for BRCA2-related cancer predisposition. Last evaluated: 2024-08-13. Review status: criteria provided, single submitter. Criteria: ACMG Guidelines, 2015. Collection method: clinical testing. Allele origin: germline. Inheritance: Autosomal dominant inheritance. Observed: 1 variant allele, 1 heterozygote.
Comment: This study involves interpretation of variants in research participants for the purpose of population health screening. Participant phenotype was not available at the time of variant classification. Additional details can be found in publication PMID: 35346344, PMCID: PMC8962531

NM_000059.4(BRCA2):c.2220A>G (p.Pro740=)

Gene: BRCA2 (BRCA2 DNA repair associated; plus strand). Cytogenetic location: 13q13.1.
Variant type: single nucleotide variant.
Coding change: c.2220A>G on transcript NM_000059.4 (MANE Select); coding-DNA position 2220, A replaced by G.
Protein change: p.Pro740=; no amino-acid change (proline 740 retained).
Molecular consequence: synonymous variant. On other transcripts: non-coding transcript variant (1), intron variant (2).
Genome position (GRCh38, 1-based): chr13:32,336,575, A>G. VCF-style: chr13-32336575-A-G. GRCh37 (hg19) VCF-style: chr13-32910712-A-G.
Other names: c.2220A>G, p.Pro740= (NM_001406719.1, NM_001406720.1, NM_001432077.1); c.1909+3188A>G (NM_001406721.1); c.424+5545A>G (NM_001406722.1).
Identifiers: ClinVar variation 3386236 (VCV003386236.1).